The following is an entry in ClinVar:

ClinVar aggregate classification (germline): Uncertain significance (1 of 4 stars; one submission).

Allele frequency attached by ClinVar (database versions not stated): gnomAD 0.00012; TOPMed 0.00025; 1000 Genomes Project 0.00040; 1000 Genomes Project 30x 0.00062.
gnomAD v4.1: 72 of 1,614,138 alleles (0.0045%); highest among the groups gnomAD compares: East Asian, 0.12%; no homozygotes.

Submission:

Labcorp Genetics (formerly Invitae), Labcorp
Classification: Uncertain significance. Last evaluated: 2025-06-19. Review status: criteria provided, single submitter. Criteria: Invitae Variant Classification Sherloc (09022015). Collection method: clinical testing. Allele origin: germline.
Comment: This sequence change replaces histidine, which is basic and polar, with proline, which is neutral and non-polar, at codon 855 of the IL6ST protein (p.His855Pro). This variant is present in population databases (rs568236223, gnomAD 0.2%). This variant has not been reported in the literature in individuals affected with IL6ST-related conditions. ClinVar contains an entry for this variant (Variation ID: 1025534). An algorithm developed to predict the effect of missense changes on protein structure and function outputs the following: PolyPhen-2: "Benign". The proline amino acid residue is found in multiple mammalian species, which suggests that this missense change does not adversely affect protein function. In summary, the available evidence is currently insufficient to determine the role of this variant in disease. Therefore, it has been classified as a Variant of Uncertain Significance.

NM_002184.4(IL6ST):c.2564A>C (p.His855Pro)

Gene: IL6ST (interleukin 6 cytokine family signal transducer; minus strand). Cytogenetic location: 5q11.2.
Variant type: single nucleotide variant.
Coding change: c.2564A>C on transcript NM_002184.4 (MANE Select); coding-DNA position 2564, A replaced by C.
Protein change: p.His855Pro; replaces histidine 855 with proline.
Molecular consequence: missense variant. On other transcripts: 3 prime UTR variant (1), non-coding transcript variant (2).
Genome position (GRCh38, 1-based): chr5:55,941,275, T>G on the plus strand (A>C on the coding strand, the complement: IL6ST is on the minus strand). VCF-style: chr5-55941275-T-G. GRCh37 (hg19) VCF-style: chr5-55237103-T-G.
Other names: c.2381A>C, p.His794Pro (NM_001190981.2); c.2462A>C, p.His821Pro (NM_001364275.2); c.2354A>C, p.His785Pro (NM_001364276.2); c.1697A>C, p.His566Pro (NM_001364277.2); c.1661A>C, p.His554Pro (NM_001364278.2); c.1568A>C, p.His523Pro (NM_001364279.2); c.*1491A>C (NM_175767.3); short protein forms H523P, H554P, H566P, H785P, H794P, H821P, H855P.
Identifiers: ClinVar variation 1025534 (VCV001025534.9), dbSNP rs568236223, ClinGen allele CA3271134.